The following is an entry in ClinVar:

NM_000397.4(CYBB):c.1645C>G (p.Gln549Glu)

Gene: CYBB (cytochrome b-245 beta chain; plus strand). Cytogenetic location: Xp11.4.
Variant type: single nucleotide variant.
Coding change: c.1645C>G on transcript NM_000397.4 (MANE Select); coding-DNA position 1645, C replaced by G.
Protein change: p.Gln549Glu; replaces glutamine 549 with glutamic acid.
Molecular consequence: missense variant.
Genome position (GRCh38, 1-based): chrX:37,810,849, C>G. VCF-style: chrX-37810849-C-G. GRCh37 (hg19) VCF-style: chrX-37670102-C-G.
Other names: short protein forms Q549E.
Identifiers: ClinVar variation 2916881 (VCV002916881.3), dbSNP rs1929658430, ClinGen allele CA412978759.

ClinVar aggregate classification (germline): Uncertain significance (1 of 4 stars; one submission).

Conditions:
Granulomatous disease, chronic, X-linked. Also called: CYTOCHROME b-NEGATIVE GRANULOMATOUS DISEASE, CHRONIC, X-LINKED; GRANULOMATOUS DISEASE, CHRONIC, X-LINKED, SOMATIC MOSAIC. Identifiers: Orphanet 379, MedGen C1844376, MONDO:0010600, OMIM 306400.

Allele frequency attached by ClinVar (database versions not stated): TOPMed below 0.00001.

Submission:

Labcorp Genetics (formerly Invitae), Labcorp
Classification: Uncertain significance for Granulomatous disease, chronic, X-linked. Last evaluated: 2025-12-18. Review status: criteria provided, single submitter. Criteria: Invitae Variant Classification Sherloc (09022015). Collection method: clinical testing. Allele origin: germline.
Comment: This sequence change replaces glutamine, which is neutral and polar, with glutamic acid, which is acidic and polar, at codon 549 of the CYBB protein (p.Gln549Glu). This variant is not present in population databases (gnomAD no frequency). This variant has not been reported in the literature in individuals affected with CYBB-related conditions. ClinVar contains an entry for this variant (Variation ID: 2916881). Invitae Evidence Modeling of protein sequence and biophysical properties (such as structural, functional, and spatial information, amino acid conservation, physicochemical variation, residue mobility, and thermodynamic stability) indicates that this missense variant is not expected to disrupt CYBB protein function with a negative predictive value of 80%. In summary, the available evidence is currently insufficient to determine the role of this variant in disease. Therefore, it has been classified as a Variant of Uncertain Significance.